The following is an entry in ClinVar:

NM_133497.4(KCNV2):c.719G>A (p.Gly240Asp)

Gene: KCNV2 (potassium voltage-gated channel modifier subfamily V member 2; plus strand). Cytogenetic location: 9p24.2.
Variant type: single nucleotide variant.
Coding change: c.719G>A on transcript NM_133497.4 (MANE Select); coding-DNA position 719, G replaced by A.
Protein change: p.Gly240Asp; replaces glycine 240 with aspartic acid.
Molecular consequence: missense variant.
Genome position (GRCh38, 1-based): chr9:2,718,458, G>A. VCF-style: chr9-2718458-G-A. GRCh37 (hg19) VCF-style: chr9-2718458-G-A.
Other names: short protein forms G240D.
Identifiers: ClinVar variation 1333521 (VCV001333521.6), dbSNP rs759416842, ClinGen allele CA4965594.

ClinVar aggregate classification (germline): Uncertain significance. Review status: criteria provided, multiple submitters, no conflicts (2 of 4 stars). 3 submissions from 3 submitters: Uncertain significance (3). Last evaluated 2022-05-27.

Conditions:
Cone dystrophy with supernormal rod response (CDSRR). Also called: CONE DYSTROPHY WITH SUPERNORMAL ROD RESPONSES. Identifiers: Orphanet 209932, MedGen C1835897, MONDO:0012475, OMIM 610356.

Allele frequency attached by ClinVar (database versions not stated): gnomAD 0.00002; gnomAD exomes 0.00002 and 0.00003; TOPMed 0.00002; ExAC 0.00005.
gnomAD v4.1: 16 of 1,607,868 alleles (0.001%); highest among the groups gnomAD compares: Admixed American, 0.0034%; no homozygotes.

Submissions (3):

Labcorp Genetics (formerly Invitae), Labcorp
Classification: Uncertain significance. Last evaluated: 2022-05-27. Review status: criteria provided, single submitter. Criteria: Invitae Variant Classification Sherloc (09022015). Collection method: clinical testing. Allele origin: germline.
Comment: ClinVar contains an entry for this variant (Variation ID: 1333521). This sequence change replaces glycine, which is neutral and non-polar, with aspartic acid, which is acidic and polar, at codon 240 of the KCNV2 protein (p.Gly240Asp). This variant is present in population databases (rs759416842, gnomAD 0.005%). This variant has not been reported in the literature in individuals affected with KCNV2-related conditions. Algorithms developed to predict the effect of missense changes on protein structure and function (SIFT, PolyPhen-2, Align-GVGD) all suggest that this variant is likely to be disruptive. In summary, the available evidence is currently insufficient to determine the role of this variant in disease. Therefore, it has been classified as a Variant of Uncertain Significance.

3billion
Classification: Uncertain significance for Cone dystrophy with supernormal rod response. Last evaluated: 2022-01-03. Review status: criteria provided, single submitter. Criteria: ACMG Guidelines, 2015. Collection method: clinical testing. Allele origin: germline. Affected: yes. Observed: 1 homozygote.
Comment: The variant is observed at an extremely low frequency in the gnomAD v2.1.1 dataset (total allele frequency: 0.000026, PM2_M). In silico tool predictions suggest damaging effect of the variant on gene or gene product (REVEL: 0.69, PP3_P). Therefore, this variant is classified as uncertain significance according to the recommendation of ACMG/AMP guideline.

Blueprint Genetics
Classification: Uncertain significance. Last evaluated: 2021-03-02. Review status: criteria provided, single submitter. Criteria: ACMG Guidelines, 2015. Collection method: clinical testing. Allele origin: germline.